The following is an entry in ClinVar:

NM_014738.6(TMEM94):c.657del (p.Phe220fs)

Gene: TMEM94 (transmembrane protein 94; plus strand). Cytogenetic location: 17q25.1.
Variant type: Deletion.
Coding change: c.657del on transcript NM_014738.6 (MANE Select); coding-DNA position 657, one base deleted (C; older notation c.657delC).
Protein change: p.Phe220fs; shifts the reading frame from phenylalanine 220.
Molecular consequence: frameshift variant.
Genome position (GRCh38, 1-based): chr17:75,488,803, C deleted; the last of 7 consecutive C bases (chr17:75,488,797-75,488,803); deleting any one gives the same sequence. VCF-style (leftmost placement, unchanged base first): chr17-75488796-TC-T. GRCh37 (hg19) VCF-style: chr17-73484877-TC-T.
Other names: c.687del, p.Phe230fs (NM_001321148.2, NM_001351203.2, NM_001438843.1 and 1 more transcripts); c.657del, p.Phe220fs (NM_001321149.2, NM_001351202.2, NM_001438841.1 and 5 more transcripts); short protein forms F220fs, F230fs.
Identifiers: ClinVar variation 5018745 (VCV005018745.2).
Genomic context (GRCh38, chr17:75,488,796, plus strand): 5'-ACTCTCCCACTTGCTGCCGGCAGGATGACGAGCACATCGTCCTGGAGCCGGGAGACCTCT[TC>T]CCCCCCTTCTCCCCTCCACCCTCACCCCGGGGAGAAGTGGAGAGAGGGCCACAGAGCCCC-3'

ClinVar aggregate classification (germline): Likely pathogenic (1 of 4 stars; one submission).

Conditions:
Intellectual developmental disorder with cardiac defects and dysmorphic facies (IDDCDF). Identifiers: Orphanet 562569, MedGen C5193024, MONDO:0032672, OMIM 618316.

Submission:

Juno Genomics, Hangzhou Juno Genomics, Inc
Classification: Likely pathogenic for Intellectual developmental disorder with cardiac defects and dysmorphic facies. Review status: criteria provided, single submitter. Criteria: ACMG Guidelines, 2015. Collection method: clinical testing. Allele origin: germline.
Comment: Absent from controls (or at extremely low frequency if recessive) in Genome Aggregation Database.;Null variant in a gene where loss of function (LOF) is a known mechanism of disease.